The following is an entry in ClinVar:

ClinVar aggregate classification (germline): Uncertain significance (1 of 4 stars; one submission).

gnomAD v4.1: 1 of 1,612,784 alleles (0.000062%); highest among the groups gnomAD compares: African/African-American, 0.0013%; no homozygotes.

Submission:

GeneDx
Classification: Uncertain significance. Last evaluated: 2026-01-29. Review status: criteria provided, single submitter. Criteria: GeneDx Variant Classification Process June 2021. Collection method: clinical testing. Allele origin: germline.
Comment: Not observed at significant frequency in large population cohorts (gnomAD); Has not been previously published as pathogenic or benign to our knowledge; In silico analysis does not support a benign or deleterious effect of this variant on protein structure/function

NM_006158.5(NEFL):c.1427C>T (p.Ala476Val)

Gene: NEFL (neurofilament light chain; minus strand). Cytogenetic location: 8p21.2.
Variant type: single nucleotide variant.
Coding change: c.1427C>T on transcript NM_006158.5 (MANE Select); coding-DNA position 1427, C replaced by T.
Protein change: p.Ala476Val; replaces alanine 476 with valine.
Molecular consequence: missense variant.
Genome position (GRCh38, 1-based): chr8:24,953,538, G>A on the plus strand (C>T on the coding strand, the complement: NEFL is on the minus strand). VCF-style: chr8-24953538-G-A. GRCh37 (hg19) VCF-style: chr8-24811051-G-A.
Other names: short protein forms A476V.
Identifiers: ClinVar variation 4975875 (VCV004975875.1).